The following is an entry in ClinVar:

ClinVar aggregate classification (germline): Uncertain significance. Review status: criteria provided, multiple submitters, no conflicts (2 of 4 stars). 2 submissions from 2 submitters: Uncertain significance (2). Last evaluated 2022-03-10.

Conditions:
Autosomal recessive limb-girdle muscular dystrophy type 2W (MDRCMTT). Also called: Muscular dystrophy, limb-girdle, type 2W; Muscular dystrophy, autosomal recessive, with cardiomyopathy and triangular tongue. Identifiers: MedGen C4225192, MONDO:0014788, OMIM 616827.

Allele frequency attached by ClinVar (database versions not stated): ExAC 0.00001; gnomAD exomes 0.00001; TOPMed 0.00001; gnomAD 0.00003; 1000 Genomes Project 30x 0.00016; 1000 Genomes Project 0.00020.
gnomAD v4.1: 15 of 1,612,626 alleles (0.00093%); highest among the groups gnomAD compares: Middle Eastern, 0.035%; no homozygotes.

Submissions (2):

Revvity Omics, Revvity
Classification: Uncertain significance for Autosomal recessive limb-girdle muscular dystrophy type 2W. Last evaluated: 2022-03-10. Review status: criteria provided, single submitter. Criteria: ACMG Guidelines, 2015. Collection method: clinical testing. Allele origin: germline.

Labcorp Genetics (formerly Invitae), Labcorp
Classification: Uncertain significance for Autosomal recessive limb-girdle muscular dystrophy type 2W. Last evaluated: 2021-10-31. Review status: criteria provided, single submitter. Criteria: Invitae Variant Classification Sherloc (09022015). Collection method: clinical testing. Allele origin: germline.
Comment: This sequence change affects an acceptor splice site in intron 8 of the LIMS2 gene. It is expected to disrupt RNA splicing. Variants that disrupt the donor or acceptor splice site typically lead to a loss of protein function (PMID: 16199547), however the current clinical and genetic evidence is not sufficient to establish whether loss-of-function variants in LIMS2 cause disease. This variant is present in population databases (rs186779887, gnomAD 0.007%). This variant has not been reported in the literature in individuals affected with LIMS2-related conditions. Algorithms developed to predict the effect of sequence changes on RNA splicing suggest that this variant may disrupt the consensus splice site. In summary, the available evidence is currently insufficient to determine the role of this variant in disease. Therefore, it has been classified as a Variant of Uncertain Significance.

Literature cited by the submitters: PubMed 16199547 (cited by Labcorp Genetics (formerly Invitae), Labcorp).

NM_001161403.3(LIMS2):c.754-2A>G

Gene: LIMS2 (LIM zinc finger domain containing 2; minus strand). Cytogenetic location: 2q14.3.
Variant type: single nucleotide variant.
Coding change: c.754-2A>G on transcript NM_001161403.3 (MANE Select); the canonical splice acceptor site of the intron before coding-DNA position 754, A replaced by G.
Molecular consequence: splice acceptor variant.
Genome position (GRCh38, 1-based): chr2:127,640,320, T>C on the plus strand (A>G on the coding strand, the complement: LIMS2 is on the minus strand). VCF-style: chr2-127640320-T-C. GRCh37 (hg19) VCF-style: chr2-128397895-T-C.
Other names: c.739-2A>G (NM_001161404.2); c.820-2A>G (NM_001136037.4); c.826-2A>G (NM_017980.5); c.298-2A>G (NM_001256542.2).
Identifiers: ClinVar variation 1925539 (VCV001925539.5), dbSNP rs186779887, ClinGen allele CA1862894.